The following is an entry in ClinVar:

ClinVar aggregate classification (germline): Uncertain significance (1 of 4 stars; one submission).

Submission:

GeneDx
Classification: Uncertain significance. Last evaluated: 2023-07-04. Review status: criteria provided, single submitter. Criteria: GeneDx Variant Classification Process June 2021. Collection method: clinical testing. Allele origin: germline. Affected: yes.
Comment: Not observed at significant frequency in large population cohorts (gnomAD); In silico analysis supports that this missense variant has a deleterious effect on protein structure/function; Has not been previously published as pathogenic or benign to our knowledge

NM_000021.4(PSEN1):c.1309A>T (p.Ile437Phe)

Gene: PSEN1 (presenilin 1; plus strand). Cytogenetic location: 14q24.2.
Variant type: single nucleotide variant.
Coding change: c.1309A>T on transcript NM_000021.4 (MANE Select); coding-DNA position 1309, A replaced by T.
Protein change: p.Ile437Phe; replaces isoleucine 437 with phenylalanine.
Molecular consequence: missense variant.
Genome position (GRCh38, 1-based): chr14:73,219,194, A>T. VCF-style: chr14-73219194-A-T. GRCh37 (hg19) VCF-style: chr14-73685902-A-T.
Other names: c.1297A>T, p.Ile433Phe (NM_007318.3); short protein forms I433F, I437F.
Identifiers: ClinVar variation 3360874 (VCV003360874.1).